The following is an entry in ClinVar:

ClinVar aggregate classification (germline): Uncertain significance (1 of 4 stars; one submission).

Conditions:
Hereditary cancer-predisposing syndrome. Also called: Hereditary neoplastic syndrome; Hereditary Cancer Syndrome; Neoplastic Syndromes, Hereditary; Tumor predisposition. Identifiers: Orphanet 140162, MedGen C0027672, MeSH D009386, MONDO:0015356.

Allele frequency attached by ClinVar (database versions not stated): gnomAD exomes below 0.00001; ExAC 0.00001.
gnomAD v4.1: 1 of 1,613,224 alleles (0.000062%); highest among the groups gnomAD compares: South Asian, 0.0011%; no homozygotes.

Submission:

Ambry Genetics
Classification: Uncertain significance for Hereditary cancer-predisposing syndrome. Last evaluated: 2025-10-11. Review status: criteria provided, single submitter. Criteria: Ambry Variant Classification Scheme 2023. Collection method: clinical testing. Allele origin: germline.
Comment: The p.V504M variant (also known as c.1510G>A), located in coding exon 7 of the RET gene, results from a G to A substitution at nucleotide position 1510. The valine at codon 504 is replaced by methionine, an amino acid with highly similar properties. This amino acid position is conserved. In addition, this alteration is predicted to be tolerated by in silico analysis. Since supporting evidence is limited at this time, the clinical significance of this alteration remains unclear.

NM_020975.6(RET):c.1510G>A (p.Val504Met)

Gene: RET (ret proto-oncogene; plus strand). Cytogenetic location: 10q11.21.
Variant type: single nucleotide variant.
Coding change: c.1510G>A on transcript NM_020975.6 (MANE Select); coding-DNA position 1510, G replaced by A.
Protein change: p.Val504Met; replaces valine 504 with methionine.
Molecular consequence: missense variant. On other transcripts: intron variant (15).
Genome position (GRCh38, 1-based): chr10:43,111,453, G>A. VCF-style: chr10-43111453-G-A. GRCh37 (hg19) VCF-style: chr10-43606901-G-A.
Other names: c.1510G>A, p.Val504Met (NM_000323.2, NM_001406743.1, NM_001406744.1 and 6 more transcripts); c.748G>A, p.Val250Met (NM_001355216.2); c.1381G>A, p.Val461Met (NM_001406761.1, NM_001406762.1, NM_001406764.1 and 1 more transcripts); c.1222G>A, p.Val408Met (NM_001406766.1, NM_001406767.1, NM_001406770.1); c.1114G>A, p.Val372Met (NM_001406769.1, NM_001406772.1); c.1072G>A, p.Val358Met (NM_001406771.1, NM_001406773.1); c.985G>A, p.Val329Met (NM_001406774.1); c.784G>A, p.Val262Met (NM_001406775.1, NM_001406776.1, NM_001406777.1 and 1 more transcripts); and 5 more; short protein forms V358M, V250M, V262M, V504M, V329M, V408M, V174M, V372M.
Identifiers: ClinVar variation 2568324 (VCV002568324.3), dbSNP rs773576143, ClinGen allele CA033961.